The following is an entry in ClinVar:

ClinVar aggregate classification (germline): Likely benign (1 of 4 stars; one submission).

Allele frequency attached by ClinVar (database versions not stated): ExAC below 0.00001.
gnomAD v4.1: 2 of 1,289,378 alleles (0.00016%); highest among the groups gnomAD compares: East Asian, 0.0031%; no homozygotes.

Submission:

GeneDx
Classification: Likely benign. Last evaluated: 2018-02-05. Review status: criteria provided, single submitter. Criteria: GeneDx Variant Classification (06012015). Collection method: clinical testing. Allele origin: germline. Affected: yes.
Comment: This variant is considered likely benign or benign based on one or more of the following criteria: it is a conservative change, it occurs at a poorly conserved position in the protein, it is predicted to be benign by multiple in silico algorithms, and/or has population frequency not consistent with disease.

NM_020312.4(COQ9):c.-18G>C

Genes: COQ9 (coenzyme Q9; plus strand), LOC112469007 (Sharpr-MPRA regulatory region 5957; plus strand). Cytogenetic location: 16q21.
Variant type: single nucleotide variant.
Coding change: c.-18G>C on transcript NM_020312.4 (MANE Select); 18 bases upstream of the start codon, G replaced by C.
Molecular consequence: 5 prime UTR variant.
Genome position (GRCh38, 1-based): chr16:57,447,488, G>C. VCF-style: chr16-57447488-G-C. GRCh37 (hg19) VCF-style: chr16-57481400-G-C.
Identifiers: ClinVar variation 514786 (VCV000514786.1), dbSNP rs755781708, ClinGen allele CA8076043.